The following is an entry in ClinVar:

ClinVar aggregate classification (germline): Uncertain significance (1 of 4 stars; one submission).

Submission:

GeneDx
Classification: Uncertain significance. Last evaluated: 2025-03-13. Review status: criteria provided, single submitter. Criteria: GeneDx Variant Classification Process June 2021. Collection method: clinical testing. Allele origin: germline. Affected: yes.
Comment: Not observed at significant frequency in large population cohorts (gnomAD); In silico analysis indicates that this missense variant does not alter protein structure/function; Has not been previously published as pathogenic or benign to our knowledge

NM_194248.3(OTOF):c.470G>A (p.Arg157Gln)

Gene: OTOF (otoferlin; minus strand). Cytogenetic location: 2p23.3.
Variant type: single nucleotide variant.
Coding change: c.470G>A on transcript NM_194248.3 (MANE Select); coding-DNA position 470, G replaced by A.
Protein change: p.Arg157Gln; replaces arginine 157 with glutamine.
Molecular consequence: missense variant.
Genome position (GRCh38, 1-based): chr2:26,516,457, C>T on the plus strand (G>A on the coding strand, the complement: OTOF is on the minus strand). VCF-style: chr2-26516457-C-T. GRCh37 (hg19) VCF-style: chr2-26739325-C-T.
Other names: c.470G>A, p.Arg157Gln (NM_001287489.2); short protein forms R157Q.
Identifiers: ClinVar variation 4083214 (VCV004083214.1).